The following is an entry in ClinVar:

ClinVar aggregate classification (germline): Uncertain significance. Review status: criteria provided, multiple submitters, no conflicts (2 of 4 stars). 3 submissions from 3 submitters: Uncertain significance (3). Last evaluated 2025-08-01.

Allele frequency attached by ClinVar (database versions not stated): ExAC 0.00001; gnomAD exomes 0.00002 and 0.00007; gnomAD 0.00003 and 0.00004; TOPMed 0.00005.
gnomAD v4.1: 114 of 1,609,602 alleles (0.0071%); highest among the groups gnomAD compares: Non-Finnish European, 0.0089%; no homozygotes.

Submissions (3):

CeGaT Center for Human Genetics Tuebingen
Classification: Uncertain significance. Last evaluated: 2025-08-01. Review status: criteria provided, single submitter. Criteria: CeGaT Center For Human Genetics Tuebingen Variant Classification Criteria Version 2. Collection method: clinical testing. Allele origin: germline. Affected: yes. Observed: 1 variant allele.
Comment: LTBP4: PM2

Labcorp Genetics (formerly Invitae), Labcorp
Classification: Uncertain significance. Last evaluated: 2022-05-25. Review status: criteria provided, single submitter. Criteria: Invitae Variant Classification Sherloc (09022015). Collection method: clinical testing. Allele origin: germline.
Comment: This sequence change replaces glutamic acid, which is acidic and polar, with lysine, which is basic and polar, at codon 1287 of the LTBP4 protein (p.Glu1287Lys). This variant is present in population databases (rs755310070, gnomAD 0.004%). This variant has not been reported in the literature in individuals affected with LTBP4-related conditions. ClinVar contains an entry for this variant (Variation ID: 1198825). Experimental studies and prediction algorithms are not available or were not evaluated, and the functional significance of this variant is currently unknown. In summary, the available evidence is currently insufficient to determine the role of this variant in disease. Therefore, it has been classified as a Variant of Uncertain Significance.

GeneDx
Classification: Uncertain significance. Last evaluated: 2020-09-28. Review status: criteria provided, single submitter. Criteria: GeneDx Variant Classification Process June 2021. Collection method: clinical testing. Allele origin: germline. Affected: yes.
Comment: Not observed at a significant frequency in large population cohorts (Lek et al., 2016); In silico analysis supports that this missense variant does not alter protein structure/function; Has not been previously published as pathogenic or benign to our knowledge

NM_001042545.2(LTBP4):c.3769G>A (p.Glu1257Lys)

Gene: LTBP4 (latent transforming growth factor beta binding protein 4; plus strand). Cytogenetic location: 19q13.2.
Variant type: single nucleotide variant.
Coding change: c.3769G>A on transcript NM_001042545.2 (MANE Select); coding-DNA position 3769, G replaced by A.
Protein change: p.Glu1257Lys; replaces glutamic acid 1257 with lysine.
Molecular consequence: missense variant.
Genome position (GRCh38, 1-based): chr19:40,624,019, G>A. VCF-style: chr19-40624019-G-A. GRCh37 (hg19) VCF-style: chr19-41129924-G-A.
Other names: c.3970G>A, p.Glu1324Lys (NM_001042544.1); c.3859G>A, p.Glu1287Lys (NM_003573.2); short protein forms E1257K, E1287K, E1324K.
Identifiers: ClinVar variation 1198825 (VCV001198825.12), dbSNP rs755310070, ClinGen allele CA9449122.